The following is an entry in ClinVar:

NM_005431.2(XRCC2):c.55G>C (p.Glu19Gln)

Gene: XRCC2 (X-ray repair cross complementing 2; minus strand). Cytogenetic location: 7q36.1.
Variant type: single nucleotide variant.
Coding change: c.55G>C on transcript NM_005431.2 (MANE Select); coding-DNA position 55, G replaced by C.
Protein change: p.Glu19Gln; replaces glutamic acid 19 with glutamine.
Molecular consequence: missense variant.
Genome position (GRCh38, 1-based): chr7:152,660,767, C>G on the plus strand (G>C on the coding strand, the complement: XRCC2 is on the minus strand). VCF-style: chr7-152660767-C-G. GRCh37 (hg19) VCF-style: chr7-152357852-C-G.
Other names: short protein forms E19Q.
Identifiers: ClinVar variation 3982919 (VCV003982919.1).

ClinVar aggregate classification (germline): Uncertain significance (1 of 4 stars; one submission).

Conditions:
Hereditary cancer-predisposing syndrome. Also called: Tumor predisposition; Hereditary neoplastic syndrome; Neoplastic Syndromes, Hereditary; Hereditary Cancer Syndrome. Identifiers: Orphanet 140162, MedGen C0027672, MeSH D009386, MONDO:0015356.

Submission:

Ambry Genetics
Classification: Uncertain significance for Hereditary cancer-predisposing syndrome. Last evaluated: 2025-03-18. Review status: criteria provided, single submitter. Criteria: Ambry Variant Classification Scheme 2023. Collection method: clinical testing. Allele origin: germline.
Comment: The p.E19Q variant (also known as c.55G>C), located in coding exon 2 of the XRCC2 gene, results from a G to C substitution at nucleotide position 55. The glutamic acid at codon 19 is replaced by glutamine, an amino acid with highly similar properties. This amino acid position is conserved. In addition, this alteration is predicted to be tolerated by in silico analysis. Based on the available evidence, the clinical significance of this variant remains unclear.